The following is an entry in ClinVar:

ClinVar aggregate classification (germline): Uncertain significance (1 of 4 stars; one submission).

Conditions:
Familial thoracic aortic aneurysm and aortic dissection (TAAD). Also called: Thoracic aortic aneurysms and dissections. Identifiers: Orphanet 91387, MedGen C4707243, MONDO:0019625.

gnomAD v4.1: 2 of 1,527,142 alleles (0.00013%); highest among the groups gnomAD compares: East Asian, 0.0025%; no homozygotes.

Submission:

Ambry Genetics
Classification: Uncertain significance for Familial thoracic aortic aneurysm and aortic dissection. Last evaluated: 2025-04-10. Review status: criteria provided, single submitter. Criteria: Ambry Variant Classification Scheme 2023. Collection method: clinical testing. Allele origin: germline.
Comment: The p.G237D variant (also known as c.710G>A), located in coding exon 4 of the NOTCH1 gene, results from a G to A substitution at nucleotide position 710. The glycine at codon 237 is replaced by aspartic acid, an amino acid with similar properties. This amino acid position is conserved. In addition, the in silico prediction for this alteration is inconclusive. Based on the available evidence, the clinical significance of this variant remains unclear.

NM_017617.5(NOTCH1):c.710G>A (p.Gly237Asp)

Gene: NOTCH1 (notch receptor 1; minus strand). Cytogenetic location: 9q34.3.
Variant type: single nucleotide variant.
Coding change: c.710G>A on transcript NM_017617.5 (MANE Select); coding-DNA position 710, G replaced by A.
Protein change: p.Gly237Asp; replaces glycine 237 with aspartic acid.
Molecular consequence: missense variant.
Genome position (GRCh38, 1-based): chr9:136,522,882, C>T on the plus strand (G>A on the coding strand, the complement: NOTCH1 is on the minus strand). VCF-style: chr9-136522882-C-T. GRCh37 (hg19) VCF-style: chr9-139417334-C-T.
Other names: short protein forms G237D.
Identifiers: ClinVar variation 3921048 (VCV003921048.1).